The following is an entry in ClinVar:

ClinVar aggregate classification (germline): Benign/Likely benign. Review status: criteria provided, multiple submitters, no conflicts (2 of 4 stars). 3 submissions from 3 submitters: Benign (1); Likely benign (2). Last evaluated 2026-01-25.

Allele frequency attached by ClinVar (database versions not stated): TOPMed 0.00002; gnomAD 0.00021; 1000 Genomes Project 0.00080; 1000 Genomes Project 30x 0.00094; ExAC 0.00139.
gnomAD v4.1: 494 of 1,561,644 alleles (0.032%); highest among the groups gnomAD compares: South Asian, 0.59%; 1 homozygote.

Submissions (3):

Labcorp Genetics (formerly Invitae), Labcorp
Classification: Benign. Last evaluated: 2026-01-25. Review status: criteria provided, single submitter. Criteria: Invitae Variant Classification Sherloc (09022015). Collection method: clinical testing. Allele origin: germline.

Mayo Clinic Laboratories, Mayo Clinic
Classification: Likely benign. Last evaluated: 2025-04-01. Review status: criteria provided, single submitter. Criteria: ACMG Guidelines, 2015. Collection method: clinical testing. Allele origin: germline. Observed: 1 variant allele.
Comment: BS1, BP4_moderate

Blueprint Genetics
Classification: Likely benign. Last evaluated: 2024-11-19. Review status: criteria provided, single submitter. Criteria: ACMG Guidelines, 2015. Collection method: clinical testing. Allele origin: germline.

Literature cited by the submitters: PubMed 39844836 (cited by Mayo Clinic Laboratories, Mayo Clinic).

NM_138386.3(NAF1):c.373G>A (p.Asp125Asn)

Gene: NAF1 (nuclear assembly factor 1 ribonucleoprotein; minus strand). Cytogenetic location: 4q32.2.
Variant type: single nucleotide variant.
Coding change: c.373G>A on transcript NM_138386.3 (MANE Select); coding-DNA position 373, G replaced by A.
Protein change: p.Asp125Asn; replaces aspartic acid 125 with asparagine.
Molecular consequence: missense variant.
Genome position (GRCh38, 1-based): chr4:163,164,384, C>T on the plus strand (G>A on the coding strand, the complement: NAF1 is on the minus strand). VCF-style: chr4-163164384-C-T. GRCh37 (hg19) VCF-style: chr4-164085536-C-T.
Other names: p.Asp125Asn; c.373G>A, p.Asp125Asn (NM_001128931.2); short protein forms D125N.
Identifiers: ClinVar variation 2723660 (VCV002723660.5), dbSNP rs202115227, ClinGen allele CA3126378.